The following is an entry in ClinVar:

NM_000260.4(MYO7A):c.121G>T (p.Asp41Tyr)

Gene: MYO7A (myosin VIIA; plus strand). Cytogenetic location: 11q13.5.
Variant type: single nucleotide variant.
Coding change: c.121G>T on transcript NM_000260.4 (MANE Select); coding-DNA position 121, G replaced by T.
Protein change: p.Asp41Tyr; replaces aspartic acid 41 with tyrosine.
Molecular consequence: missense variant.
Genome position (GRCh38, 1-based): chr11:77,142,811, G>T. VCF-style: chr11-77142811-G-T. GRCh37 (hg19) VCF-style: chr11-76853857-G-T.
Other names: c.121G>T, p.Asp41Tyr (NM_001127180.2); c.88G>T, p.Asp30Tyr (NM_001369365.1); short protein forms D30Y, D41Y.
Identifiers: ClinVar variation 1943445 (VCV001943445.3), dbSNP rs782032952, ClinGen allele CA381926581.

ClinVar aggregate classification (germline): Conflicting classifications of pathogenicity. Review status: criteria provided, conflicting classifications (1 of 4 stars). 2 submissions from 2 submitters: Likely pathogenic (1); Uncertain significance (1). Last evaluated 2022-11-14.

Conditions:
MYO7A-related disorder. Also called: MYO7A-related disorders.

gnomAD v4.1: 2 of 1,606,966 alleles (0.00012%); highest among the groups gnomAD compares: Non-Finnish European, 0.00017%; no homozygotes.

Submissions (2):

Blueprint Genetics
Classification: Likely pathogenic for MYO7A-related disorders. Last evaluated: 2022-11-14. Review status: criteria provided, single submitter. Criteria: ACMG Guidelines, 2015. Collection method: clinical testing. Allele origin: germline. Affected: yes. Observed: 2 variant alleles.

Labcorp Genetics (formerly Invitae), Labcorp
Classification: Uncertain significance. Last evaluated: 2021-09-01. Review status: criteria provided, single submitter. Criteria: Invitae Variant Classification Sherloc (09022015). Collection method: clinical testing. Allele origin: germline.
Comment: This sequence change replaces aspartic acid with tyrosine at codon 41 of the MYO7A protein (p.Asp41Tyr). The aspartic acid residue is highly conserved and there is a large physicochemical difference between aspartic acid and tyrosine. This variant is not present in population databases (ExAC no frequency). This variant has not been reported in the literature in individuals affected with MYO7A-related conditions. Advanced modeling of protein sequence and biophysical properties (such as structural, functional, and spatial information, amino acid conservation, physicochemical variation, residue mobility, and thermodynamic stability) performed at Invitae indicates that this missense variant is expected to disrupt MYO7A protein function. In summary, the available evidence is currently insufficient to determine the role of this variant in disease. Therefore, it has been classified as a Variant of Uncertain Significance.